The following is an entry in ClinVar:

NM_002878.4(RAD51D):c.480+5G>A

Genes: RAD51D (RAD51 paralog D; minus strand), RAD51L3-RFFL (RAD51L3-RFFL readthrough; minus strand). Cytogenetic location: 17q12.
Variant type: single nucleotide variant.
Coding change: c.480+5G>A on transcript NM_002878.4 (MANE Select); 5 bases into the intron after coding-DNA position 480, G replaced by A.
Molecular consequence: intron variant.
Genome position (GRCh38, 1-based): chr17:35,106,983, C>T on the plus strand (G>A on the coding strand, the complement: RAD51D is on the minus strand). VCF-style: chr17-35106983-C-T. GRCh37 (hg19) VCF-style: chr17-33434002-C-T.
Other names: c.145-502G>A (NM_133629.3); c.540+5G>A (NM_001142571.2).
Identifiers: ClinVar variation 630840 (VCV000630840.9), dbSNP rs1567728209, ClinGen allele CA913188809.

ClinVar aggregate classification (germline): Uncertain significance. Review status: criteria provided, multiple submitters, no conflicts (2 of 4 stars). 2 submissions from 2 submitters: Uncertain significance (2). Last evaluated 2023-12-24.

Conditions:
Hereditary cancer-predisposing syndrome. Also called: Tumor predisposition; Neoplastic Syndromes, Hereditary; Hereditary neoplastic syndrome; Hereditary Cancer Syndrome. Identifiers: Orphanet 140162, MedGen C0027672, MeSH D009386, MONDO:0015356.
Breast-ovarian cancer, familial, susceptibility to, 4. Identifiers: Orphanet 145, MedGen C3280345, MONDO:0013669, OMIM 614291.

Submissions (2):

Labcorp Genetics (formerly Invitae), Labcorp
Classification: Uncertain significance for Breast-ovarian cancer, familial, susceptibility to, 4. Last evaluated: 2023-12-24. Review status: criteria provided, single submitter. Criteria: Invitae Variant Classification Sherloc (09022015). Collection method: clinical testing. Allele origin: germline.
Comment: This sequence change falls in intron 5 of the RAD51D gene. It does not directly change the encoded amino acid sequence of the RAD51D protein. It affects a nucleotide within the consensus splice site. This variant is not present in population databases (gnomAD no frequency). This variant has not been reported in the literature in individuals affected with RAD51D-related conditions. ClinVar contains an entry for this variant (Variation ID: 630840). Variants that disrupt the consensus splice site are a relatively common cause of aberrant splicing (PMID: 17576681, 9536098). Algorithms developed to predict the effect of sequence changes on RNA splicing suggest that this variant is not likely to affect RNA splicing. In summary, the available evidence is currently insufficient to determine the role of this variant in disease. Therefore, it has been classified as a Variant of Uncertain Significance.

Color Diagnostics, LLC DBA Color Health
Classification: Uncertain significance for Hereditary cancer-predisposing syndrome. Last evaluated: 2018-12-20. Review status: criteria provided, single submitter. Criteria: ACMG Guidelines, 2015. Collection method: clinical testing. Allele origin: germline.

Literature cited by the submitters: PubMed 17576681 (cited by Labcorp Genetics (formerly Invitae), Labcorp); PubMed 9536098 (cited by Labcorp Genetics (formerly Invitae), Labcorp).